The following is an entry in ClinVar:

ClinVar aggregate classification (germline): Likely benign (1 of 4 stars; one submission).

Allele frequency attached by ClinVar (database versions not stated): gnomAD 0.00002; TOPMed 0.00002.
gnomAD v4.1: 34 of 1,251,650 alleles (0.0027%); highest among the groups gnomAD compares: Non-Finnish European, 0.0032%; no homozygotes.

Submission:

GeneDx
Classification: Likely benign. Last evaluated: 2017-08-01. Review status: criteria provided, single submitter. Criteria: GeneDx Variant Classification (06012015). Collection method: clinical testing. Allele origin: germline. Affected: yes.
Comment: This variant is considered likely benign or benign based on one or more of the following criteria: it is a conservative change, it occurs at a poorly conserved position in the protein, it is predicted to be benign by multiple in silico algorithms, and/or has population frequency not consistent with disease.

NM_000093.5(COL5A1):c.-14C>T

Gene: COL5A1 (collagen type V alpha 1 chain; plus strand). Cytogenetic location: 9q34.3.
Variant type: single nucleotide variant.
Coding change: c.-14C>T on transcript NM_000093.5 (MANE Select); 14 bases upstream of the start codon, C replaced by T.
Molecular consequence: 5 prime UTR variant.
Genome position (GRCh38, 1-based): chr9:134,642,174, C>T. VCF-style: chr9-134642174-C-T. GRCh37 (hg19) VCF-style: chr9-137534020-C-T.
Other names: c.-14C>T (NM_001278074.1).
Identifiers: ClinVar variation 511164 (VCV000511164.1), dbSNP rs1334351036, ClinGen allele CA658797337.